The following is an entry in ClinVar:

NM_001040716.2(PC):c.1435C>T (p.Gln479Ter)

Gene: PC (pyruvate carboxylase; minus strand). Cytogenetic location: 11q13.2.
Variant type: single nucleotide variant.
Coding change: c.1435C>T on transcript NM_001040716.2 (MANE Select); coding-DNA position 1435, C replaced by T.
Protein change: p.Gln479Ter; replaces glutamine 479 with a stop codon.
Molecular consequence: nonsense.
Genome position (GRCh38, 1-based): chr11:66,853,317, G>A on the plus strand (C>T on the coding strand, the complement: PC is on the minus strand). VCF-style: chr11-66853317-G-A. GRCh37 (hg19) VCF-style: chr11-66620788-G-A.
Other names: c.1435C>T, p.Gln479Ter (NM_000920.4, NM_022172.3); c.1435C>T (NM_001040716.1); short protein forms Q479*.
Identifiers: ClinVar variation 2853217 (VCV002853217.4), dbSNP rs2495509213, ClinGen allele CA381496453.
Genomic context (GRCh38, chr11:66,853,317, plus strand): 5'-TTTGGGCCCGGTTCTGTGCAGGCCGCAGCTGGAACAGCTCTGGGTTCTCGTCGATGAACT[G>A]GGTGTCCACAGTGCCTGCCAGGAACTGCTGGTTGTTGAGCACATTCTGCAGGAAGGCGAT-3'

ClinVar aggregate classification (germline): Pathogenic. Review status: criteria provided, multiple submitters, no conflicts (2 of 4 stars). 2 submissions from 2 submitters: Pathogenic (2). Last evaluated 2025-08-10.

Conditions:
Pyruvate carboxylase deficiency. Also called: LEIGH NECROTIZING ENCEPHALOPATHY DUE TO PYRUVATE CARBOXYLASE DEFICIENCY; LEIGH SYNDROME DUE TO PYRUVATE CARBOXYLASE DEFICIENCY; PC DEFICIENCY; ATAXIA WITH LACTIC ACIDOSIS II; Pyruvate Carboxylase Deficiency Disease. Identifiers: Orphanet 3008, MedGen C0034341, MONDO:0009949, OMIM 266150.
PC-related disorder. Also called: PC-related condition.

Submissions (2):

PreventionGenetics, part of Exact Sciences
Classification: Pathogenic for PC-related condition. Last evaluated: 2025-08-10. Review status: criteria provided, single submitter. Criteria: ACMG Guidelines, 2015. Collection method: clinical testing. Allele origin: germline.
Comment: The PC c.1435C>T variant is predicted to result in premature protein termination (p.Gln479*). This variant has been reported in the compound heterozygous state in an individual with pyruvate carboxylase deficiency (Lasio et al. 2023. PubMed ID: 37207470). This variant has not been reported in a large population database (gnomAD), indicating this variant is rare. Nonsense variants in PC are expected to be pathogenic. This variant is interpreted as pathogenic.

Labcorp Genetics (formerly Invitae), Labcorp
Classification: Pathogenic for Pyruvate carboxylase deficiency. Last evaluated: 2024-02-16. Review status: criteria provided, single submitter. Criteria: Invitae Variant Classification Sherloc (09022015). Collection method: clinical testing. Allele origin: germline.
Comment: This sequence change creates a premature translational stop signal (p.Gln479*) in the PC gene. It is expected to result in an absent or disrupted protein product. Loss-of-function variants in PC are known to be pathogenic (PMID: 12112657, 19306334). This variant is not present in population databases (gnomAD no frequency). This variant has not been reported in the literature in individuals affected with PC-related conditions. For these reasons, this variant has been classified as Pathogenic.

Literature cited by the submitters: PubMed 12112657 (cited by Labcorp Genetics (formerly Invitae), Labcorp); PubMed 19306334 (cited by Labcorp Genetics (formerly Invitae), Labcorp).